The following is an entry in ClinVar:

ClinVar aggregate classification (germline): Uncertain significance (1 of 4 stars; one submission).

Submission:

GeneDx
Classification: Uncertain significance. Last evaluated: 2024-09-04. Review status: criteria provided, single submitter. Criteria: GeneDx Variant Classification Process June 2021. Collection method: clinical testing. Allele origin: germline. Affected: yes.
Comment: Not observed at significant frequency in large population cohorts (gnomAD); In silico analysis indicates that this missense variant does not alter protein structure/function; Has not been previously published as pathogenic or benign to our knowledge

NM_001378454.1(ALMS1):c.2707G>C (p.Ala903Pro)

Gene: ALMS1 (ALMS1 centrosome and basal body associated protein; plus strand). Cytogenetic location: 2p13.1.
Variant type: single nucleotide variant.
Coding change: c.2707G>C on transcript NM_001378454.1 (MANE Select); coding-DNA position 2707, G replaced by C.
Protein change: p.Ala903Pro; replaces alanine 903 with proline.
Molecular consequence: missense variant.
Genome position (GRCh38, 1-based): chr2:73,449,234, G>C. VCF-style: chr2-73449234-G-C. GRCh37 (hg19) VCF-style: chr2-73676361-G-C.
Other names: c.2710G>C, p.Ala904Pro (NM_015120.4); short protein forms A903P, A904P.
Identifiers: ClinVar variation 3767806 (VCV003767806.1).